The following is an entry in ClinVar:

ClinVar aggregate classification (germline): Uncertain significance (1 of 4 stars; one submission).

Conditions:
Developmental and epileptic encephalopathy, 1 (DEE1). Also called: X-linked infantile spasms; West's syndrome; Tonic spasms with clustering, arrest of psychomotor development and hypsarrhythmia on EEG; X-Linked Infantile Spasm Syndrome; OHTAHARA SYNDROME, X-LINKED; INFANTILE SPASM SYNDROME, X-LINKED 1. Identifiers: MedGen C3463992, MONDO:0010632, OMIM 308350. Disease mechanism: loss of function.
Intellectual disability, X-linked, with or without seizures, ARX-related. Also called: MENTAL RETARDATION, X-LINKED 29; MENTAL RETARDATION, X-LINKED 32; MENTAL RETARDATION, X-LINKED 33; MENTAL RETARDATION, X-LINKED 38; MENTAL RETARDATION, X-LINKED 43; MENTAL RETARDATION, X-LINKED 76. Identifiers: Orphanet 777, MedGen C0796244, MONDO:0010317, OMIM 300419.

Submission:

Labcorp Genetics (formerly Invitae), Labcorp
Classification: Uncertain significance for Developmental and epileptic encephalopathy, 1; Intellectual disability, X-linked, with or without seizures, ARX-related. Last evaluated: 2022-06-13. Review status: criteria provided, single submitter. Criteria: Invitae Variant Classification Sherloc (09022015). Collection method: clinical testing. Allele origin: germline.
Comment: In summary, the available evidence is currently insufficient to determine the role of this variant in disease. Therefore, it has been classified as a Variant of Uncertain Significance. Experimental studies and prediction algorithms are not available or were not evaluated, and the functional significance of this variant is currently unknown. This variant has not been reported in the literature in individuals affected with ARX-related conditions. The frequency data for this variant in the population databases is considered unreliable, as metrics indicate insufficient coverage at this position in the gnomAD database. This sequence change replaces threonine, which is neutral and polar, with alanine, which is neutral and non-polar, at codon 116 of the ARX protein (p.Thr116Ala).

NM_139058.3(ARX):c.345_346delinsGG (p.Thr116Ala)

Genes: ARX (aristaless related homeobox; minus strand), LOC109610631 (aristaless related homeobox polyalanine expansion region; plus strand). Cytogenetic location: Xp21.3.
Variant type: Indel.
Coding change: c.345_346delinsGG on transcript NM_139058.3 (MANE Select); coding-DNA positions 345 to 346, CA replaced by GG.
Protein change: p.Thr116Ala; replaces threonine 116 with alanine.
Molecular consequence: missense variant.
Genome position (GRCh38, 1-based): chrX:25,013,649-25,013,650, TG replaced by CC on the plus strand (CA replaced by GG on the coding strand, the reverse complement: ARX is on the minus strand). VCF-style: chrX-25013649-TG-CC. GRCh37 (hg19) VCF-style: chrX-25031766-TG-CC.
Other names: short protein forms T116A.
Identifiers: ClinVar variation 1502117 (VCV001502117.11), dbSNP rs2147324326, ClinGen allele CA2573158502.